The following is an entry in ClinVar:

NM_015910.7(WDPCP):c.75+10G>T

Gene: WDPCP (WD repeat containing planar cell polarity effector; minus strand). Cytogenetic location: 2p15.
Variant type: single nucleotide variant.
Coding change: c.75+10G>T on transcript NM_015910.7 (MANE Select); 10 bases into the intron after coding-DNA position 75, G replaced by T.
Molecular consequence: intron variant.
Genome position (GRCh38, 1-based): chr2:63,588,187, C>A on the plus strand (G>T on the coding strand, the complement: WDPCP is on the minus strand). VCF-style: chr2-63588187-C-A. GRCh37 (hg19) VCF-style: chr2-63815321-C-A.
Other names: c.-250+10G>T (NM_001354044.2); c.75+10G>T (NM_001354045.2).
Identifiers: ClinVar variation 4986206 (VCV004986206.1).
Genomic context (GRCh38, chr2:63,588,187, plus strand): 5'-GACGGCGCACCAACCGCATTCCGGATCCTAAGGTTAAAAGAAAACCCCTTGCCCTCGGGC[C>A]AGGGCTCACCTGTCTCGGGAGTGGGGAAGAAGCGCGACTCCCGGCCGCTTTGGAGTAGGC-3'

ClinVar aggregate classification (germline): Likely benign (1 of 4 stars; one submission).

Conditions:
WDPCP-related disorder. Also called: WDPCP-related condition.

gnomAD v4.1: 1 of 1,561,522 alleles (0.000064%); highest among the groups gnomAD compares: Non-Finnish European, 0.000087%; no homozygotes.

Submission:

PreventionGenetics, part of Exact Sciences
Classification: Likely benign for WDPCP-related condition. Last evaluated: 2026-06-22. Review status: criteria provided, single submitter. Criteria: ACMG Guidelines, 2015. Collection method: clinical testing. Allele origin: germline.
Comment: This variant is classified as likely benign based on ACMG/AMP sequence variant interpretation guidelines (Richards et al. 2015 PMID: 25741868, with internal and published modifications).